The following is an entry in ClinVar:

ClinVar aggregate classification (germline): Uncertain significance (1 of 4 stars; one submission).

Submission:

Labcorp Genetics (formerly Invitae), Labcorp
Classification: Uncertain significance. Last evaluated: 2021-12-24. Review status: criteria provided, single submitter. Criteria: Invitae Variant Classification Sherloc (09022015). Collection method: clinical testing. Allele origin: germline.
Comment: This variant, c.915_920del, results in the deletion of 2 amino acid(s) of the GZF1 protein (p.Glu305_Glu306del), but otherwise preserves the integrity of the reading frame. The frequency data for this variant in the population databases is considered unreliable, as metrics indicate poor data quality at this position in the gnomAD database. This variant has not been reported in the literature in individuals affected with GZF1-related conditions. Experimental studies and prediction algorithms are not available or were not evaluated, and the functional significance of this variant is currently unknown. In summary, the available evidence is currently insufficient to determine the role of this variant in disease. Therefore, it has been classified as a Variant of Uncertain Significance.

NM_022482.5(GZF1):c.903GGA[4] (p.Glu305_Glu306del)

Gene: GZF1 (GDNF inducible zinc finger protein 1; plus strand). Cytogenetic location: 20p11.21.
Variant type: Microsatellite.
Coding change: c.903GGA[4] on transcript NM_022482.5 (MANE Select); four copies in a row of the 3-base unit GGA starting at c.903; the reference has six copies in a row; two copies, 6 bases deleted.
Protein change: p.Glu305_Glu306del.
Molecular consequence: inframe deletion.
Genome position (GRCh38, 1-based): chr20:23,365,298-23,365,303, GGAGGA deleted; deleting any 6 consecutive bases within chr20:23,365,284-23,365,303 gives the same sequence; the position shown is the placement nearest the transcript's 3' end. VCF-style (leftmost placement, unchanged base first): chr20-23365283-AGAGGAG-A. GRCh37 (hg19) VCF-style: chr20-23345920-AGAGGAG-A.
Other names: c.903GGA[4], p.Glu305_Glu306del (NM_001317012.2, NM_001317019.1).
Identifiers: ClinVar variation 2187360 (VCV002187360.1), dbSNP rs750609719, ClinGen allele CA9788599.